The following is an entry in ClinVar:

ClinVar aggregate classification (germline): Likely benign. Review status: criteria provided, single submitter (1 of 4 stars). 2 submissions from 2 submitters: Likely benign (1). 1 of the submissions does not count toward it. Last evaluated 2025-01-24.

Conditions:
MYO18B-related disorder. Also called: MYO18B-related condition.

Allele frequency attached by ClinVar (database versions not stated): ExAC 0.00004; gnomAD exomes 0.00003; gnomAD 0.00002 and 0.00001; TOPMed 0.00002; 1000 Genomes Project 30x 0.00016; 1000 Genomes Project 0.00020.
gnomAD v4.1: 45 of 1,613,924 alleles (0.0028%); highest among the groups gnomAD compares: South Asian, 0.0077%; no homozygotes.

Submissions (2):

Labcorp Genetics (formerly Invitae), Labcorp
Classification: Likely benign. Last evaluated: 2025-01-24. Review status: criteria provided, single submitter. Criteria: Invitae Variant Classification Sherloc (09022015). Collection method: clinical testing. Allele origin: germline.

PreventionGenetics, part of Exact Sciences
Classification: Likely benign for MYO18B-related condition. Last evaluated: 2021-01-11. Review status: no assertion criteria provided. Collection method: clinical testing. Allele origin: germline. Not counted in ClinVar's aggregate classification.
Comment: This variant is classified as likely benign based on ACMG/AMP sequence variant interpretation guidelines (Richards et al. 2015 PMID: 25741868, with internal and published modifications).

NM_032608.7(MYO18B):c.279C>T (p.Asp93=)

Gene: MYO18B (myosin XVIIIB; plus strand). Cytogenetic location: 22q12.1.
Variant type: single nucleotide variant.
Coding change: c.279C>T on transcript NM_032608.7 (MANE Select); coding-DNA position 279, C replaced by T.
Protein change: p.Asp93=; no amino-acid change (aspartic acid 93 retained).
Molecular consequence: synonymous variant.
Genome position (GRCh38, 1-based): chr22:25,768,195, C>T. VCF-style: chr22-25768195-C-T. GRCh37 (hg19) VCF-style: chr22-26164162-C-T.
Other names: c.279C>T, p.Asp93= (NM_001318245.2).
Identifiers: ClinVar variation 736585 (VCV000736585.11), dbSNP rs552283952, ClinGen allele CA10159542.